The following is an entry in ClinVar:

ClinVar aggregate classification (germline): Likely benign (1 of 4 stars; one submission).

Submission:

CeGaT Center for Human Genetics Tuebingen
Classification: Likely benign. Last evaluated: 2025-12-01. Review status: criteria provided, single submitter. Criteria: CeGaT Center For Human Genetics Tuebingen Variant Classification Criteria Version 2. Collection method: clinical testing. Allele origin: germline. Affected: yes. Observed: 1 variant allele.
Comment: SYNE1: PM2:Supporting, BP4, BP7

NM_182961.4(SYNE1):c.16317A>G (p.Lys5439=)

Gene: SYNE1 (spectrin repeat containing nuclear envelope protein 1; minus strand). Cytogenetic location: 6q25.2.
Variant type: single nucleotide variant.
Coding change: c.16317A>G on transcript NM_182961.4 (MANE Select); coding-DNA position 16317, A replaced by G.
Protein change: p.Lys5439=; no amino-acid change (lysine 5439 retained).
Molecular consequence: synonymous variant.
Genome position (GRCh38, 1-based): chr6:152,318,935, T>C on the plus strand (A>G on the coding strand, the complement: SYNE1 is on the minus strand). VCF-style: chr6-152318935-T-C. GRCh37 (hg19) VCF-style: chr6-152640070-T-C.
Other names: c.16104A>G, p.Lys5368= (NM_033071.5).
Identifiers: ClinVar variation 4681734 (VCV004681734.5).